The following is an entry in ClinVar:

ClinVar aggregate classification (germline): Uncertain significance. Review status: criteria provided, multiple submitters, no conflicts (2 of 4 stars). 2 submissions from 2 submitters: Uncertain significance (2). Last evaluated 2025-07-24.

Conditions:
Cardiovascular phenotype. Identifiers: MedGen CN230736.
Primary dilated cardiomyopathy (DCM). Also called: Dilated Cardiomyopathy. Identifiers: Orphanet 217604, MedGen C0007193, MeSH D002311, MONDO:0005021, HP:0001644. Inheritance: Various modes of inheritance.

gnomAD v4.1: 11 of 1,611,730 alleles (0.00068%); highest among the groups gnomAD compares: African/African-American, 0.0013%; no homozygotes.

Submissions (2):

Labcorp Genetics (formerly Invitae), Labcorp
Classification: Uncertain significance for Primary dilated cardiomyopathy. Last evaluated: 2025-07-24. Review status: criteria provided, single submitter. Criteria: Invitae Variant Classification Sherloc (09022015). Collection method: clinical testing. Allele origin: germline.
Comment: This sequence change replaces methionine, which is neutral and non-polar, with valine, which is neutral and non-polar, at codon 263 of the TXNRD2 protein (p.Met263Val). The frequency data for this variant in the population databases is considered unreliable, as metrics indicate poor data quality at this position in the gnomAD database. This variant has not been reported in the literature in individuals affected with TXNRD2-related conditions. ClinVar contains an entry for this variant (Variation ID: 3330397). Invitae Evidence Modeling of protein sequence and biophysical properties (such as structural, functional, and spatial information, amino acid conservation, physicochemical variation, residue mobility, and thermodynamic stability) indicates that this missense variant is not expected to disrupt TXNRD2 protein function with a negative predictive value of 80%. In summary, the available evidence is currently insufficient to determine the role of this variant in disease. Therefore, it has been classified as a Variant of Uncertain Significance.

Ambry Genetics
Classification: Uncertain significance for Cardiovascular phenotype. Last evaluated: 2024-09-30. Review status: criteria provided, single submitter. Criteria: Ambry Variant Classification Scheme 2023. Collection method: clinical testing. Allele origin: germline.

NM_006440.5(TXNRD2):c.787A>G (p.Met263Val)

Gene: TXNRD2 (thioredoxin reductase 2; minus strand). Cytogenetic location: 22q11.21.
Variant type: single nucleotide variant.
Coding change: c.787A>G on transcript NM_006440.5 (MANE Select); coding-DNA position 787, A replaced by G.
Protein change: p.Met263Val; replaces methionine 263 with valine.
Molecular consequence: missense variant. On other transcripts: non-coding transcript variant (1).
Genome position (GRCh38, 1-based): chr22:19,895,569, T>C on the plus strand (A>G on the coding strand, the complement: TXNRD2 is on the minus strand). VCF-style: chr22-19895569-T-C. GRCh37 (hg19) VCF-style: chr22-19883092-T-C.
Other names: c.787A>G, p.Met263Val (NM_001282512.3); c.784A>G, p.Met262Val (NM_001352300.2); c.697A>G, p.Met233Val (NM_001352301.2); c.499A>G, p.Met167Val (NM_001352302.2); c.691A>G, p.Met231Val (NM_001352303.2); short protein forms M233V, M263V, M167V, M231V, M262V.
Identifiers: ClinVar variation 3330397 (VCV003330397.3).